The following is an entry in ClinVar:

NM_000452.3(SLC10A2):c.185T>G (p.Ile62Arg)

Gene: SLC10A2 (solute carrier family 10 member 2; minus strand). Cytogenetic location: 13q33.1.
Variant type: single nucleotide variant.
Coding change: c.185T>G on transcript NM_000452.3 (MANE Select); coding-DNA position 185, T replaced by G.
Protein change: p.Ile62Arg; replaces isoleucine 62 with arginine.
Molecular consequence: missense variant.
Genome position (GRCh38, 1-based): chr13:103,066,065, A>C on the plus strand (T>G on the coding strand, the complement: SLC10A2 is on the minus strand). VCF-style: chr13-103066065-A-C. GRCh37 (hg19) VCF-style: chr13-103718415-A-C.
Other names: short protein forms I62R.
Identifiers: ClinVar variation 3614659 (VCV003614659.2).

ClinVar aggregate classification (germline): Uncertain significance (1 of 4 stars; one submission).

gnomAD v4.1: 1 of 1,614,152 alleles (0.000062%); highest among the groups gnomAD compares: East Asian, 0.0022%; no homozygotes.

Submission:

Labcorp Genetics (formerly Invitae), Labcorp
Classification: Uncertain significance. Last evaluated: 2024-09-06. Review status: criteria provided, single submitter. Criteria: Invitae Variant Classification Sherloc (09022015). Collection method: clinical testing. Allele origin: germline.
Comment: This sequence change replaces isoleucine, which is neutral and non-polar, with arginine, which is basic and polar, at codon 62 of the SLC10A2 protein (p.Ile62Arg). This variant is not present in population databases (gnomAD no frequency). This variant has not been reported in the literature in individuals affected with SLC10A2-related conditions. Invitae Evidence Modeling of protein sequence and biophysical properties (such as structural, functional, and spatial information, amino acid conservation, physicochemical variation, residue mobility, and thermodynamic stability) indicates that this missense variant is not expected to disrupt SLC10A2 protein function with a negative predictive value of 80%. In summary, the available evidence is currently insufficient to determine the role of this variant in disease. Therefore, it has been classified as a Variant of Uncertain Significance.